The following is an entry in ClinVar:

ClinVar aggregate classification (germline): Pathogenic/Likely pathogenic. Review status: criteria provided, multiple submitters, no conflicts (2 of 4 stars). 2 submissions from 2 submitters: Pathogenic (1); Likely pathogenic (1). Last evaluated 2024-06-17.

Conditions:
VPS13A-related neurodegenerative disease. Also called: ACANTHOCYTOSIS WITH NEUROLOGIC DISORDER; Choreoacanthocytosis; Chorea-acanthocytosis; LEVINE-CRITCHLEY SYNDROME; VPS13A Disease; Choreaacanthocytosis. Identifiers: Orphanet 2388, MedGen C0393576, MONDO:0008695, OMIM 200150.

gnomAD v4.1: 1 of 1,612,250 alleles (0.000062%); highest among the groups gnomAD compares: Non-Finnish European, 0.000085%; no homozygotes.

Submissions (2):

Fulgent Genetics
Classification: Likely pathogenic for VPS13A-related neurodegenerative disease. Last evaluated: 2024-06-17. Review status: criteria provided, single submitter. Criteria: ACMG Guidelines, 2015. Collection method: clinical testing. Allele origin: germline.

Myriad Genetics, Inc.
Classification: Pathogenic for VPS13A-related neurodegenerative disease. Last evaluated: 2024-05-14. Review status: criteria provided, single submitter. Criteria: Myriad Autosomal Dominant, Autosomal Recessive and X-Linked Classification Criteria (2023). Collection method: clinical testing. Allele origin: unknown.
Comment: NM_033305.2(VPS13A):c.406C>T(Q136*) is expected to be pathogenic in the context of VPS13A disease. This variant is predicted to lead to an abnormal or absent protein product due to the creation of a premature termination codon in VPS13A, a gene where loss-of-function variants are known to be pathogenic. Please note: this variant was assessed in the context of healthy population screening.

NM_033305.3(VPS13A):c.406C>T (p.Gln136Ter)

Gene: VPS13A (vacuolar protein sorting 13 homolog A; plus strand). Cytogenetic location: 9q21.2.
Variant type: single nucleotide variant.
Coding change: c.406C>T on transcript NM_033305.3 (MANE Select); coding-DNA position 406, C replaced by T.
Protein change: p.Gln136Ter; replaces glutamine 136 with a stop codon.
Molecular consequence: nonsense.
Genome position (GRCh38, 1-based): chr9:77,209,443, C>T. VCF-style: chr9-77209443-C-T. GRCh37 (hg19) VCF-style: chr9-79824359-C-T.
Other names: c.406C>T, p.Gln136Ter (NM_001018037.2, NM_001018038.3, NM_015186.4); short protein forms Q136*.
Identifiers: ClinVar variation 3597669 (VCV003597669.2).